The following is an entry in ClinVar:

NM_000552.5(VWF):c.2555A>G (p.Gln852Arg)

Gene: VWF (von Willebrand factor; minus strand). Cytogenetic location: 12p13.31.
Variant type: single nucleotide variant.
Coding change: c.2555A>G on transcript NM_000552.5 (MANE Select); coding-DNA position 2555, A replaced by G.
Protein change: p.Gln852Arg; replaces glutamine 852 with arginine.
Molecular consequence: missense variant.
Genome position (GRCh38, 1-based): chr12:6,034,818, T>C on the plus strand (A>G on the coding strand, the complement: VWF is on the minus strand). VCF-style: chr12-6034818-T-C. GRCh37 (hg19) VCF-style: chr12-6143984-T-C.
Other names: short protein forms Q852R.
Identifiers: ClinVar variation 4887487 (VCV004887487.2).

ClinVar aggregate classification (germline): Benign/Likely benign. Review status: criteria provided, multiple submitters, no conflicts (2 of 4 stars). 2 submissions from 2 submitters: Benign (1); Likely benign (1). Last evaluated 2026-06-05.

gnomAD v4.1: 1,461,858 of 1,614,050 alleles (91%); highest among the groups gnomAD compares: African/African-American, 95%; 662,737 homozygotes.

Submissions (2):

Women's Health and Genetics/Laboratory Corporation of America, LabCorp
Classification: Benign. Last evaluated: 2026-06-05. Review status: criteria provided, single submitter. Criteria: LabCorp Variant Classification Summary - May 2015. Collection method: clinical testing. Allele origin: germline.
Comment: Variant summary: VWF c.2555A>G (p.Gln852Arg) results in a conservative amino acid change in the encoded protein sequence. Algorithms developed to predict the effect of missense changes on protein structure and function all suggest that this variant is likely to be tolerated. The variant allele was found at a frequency of 0.9 in 251332 control chromosomes, predominantly at a frequency of 0.95 within the African or African-American subpopulation in the gnomAD database, including 7358 homozygotes. The observed variant frequency within African or African-American control individuals in the gnomAD database exceeds the estimated maximal expected allele frequency for disease-causing variants in VWF. To our knowledge, no occurrence of c.2555A>G in individuals affected with VWF-related conditions and no experimental evidence demonstrating its impact on protein function have been reported. No submitters have cited clinical-significance assessments for this variant to ClinVar. Based on the evidence outlined above, the variant was classified as benign.

Blueprint Genetics
Classification: Likely benign. Last evaluated: 2024-11-27. Review status: criteria provided, single submitter. Criteria: ACMG Guidelines, 2015. Collection method: clinical testing. Allele origin: germline.